The following is an entry in ClinVar:

ClinVar aggregate classification (germline): Uncertain significance (1 of 4 stars; one submission).

Conditions:
Spastic paraplegia. Identifiers: MedGen C0037772, HP:0001258.

Allele frequency attached by ClinVar (database versions not stated): gnomAD exomes below 0.00001; TOPMed below 0.00001.
gnomAD v4.1: 3 of 1,613,994 alleles (0.00019%); highest among the groups gnomAD compares: African/African-American, 0.0013%; no homozygotes.

Submission:

Labcorp Genetics (formerly Invitae), Labcorp
Classification: Uncertain significance for Spastic paraplegia. Last evaluated: 2024-04-17. Review status: criteria provided, single submitter. Criteria: Invitae Variant Classification Sherloc (09022015). Collection method: clinical testing. Allele origin: germline.
Comment: This sequence change replaces valine, which is neutral and non-polar, with aspartic acid, which is acidic and polar, at codon 2094 of the SACS protein (p.Val2094Asp). This variant is not present in population databases (gnomAD no frequency). This variant has not been reported in the literature in individuals affected with SACS-related conditions. ClinVar contains an entry for this variant (Variation ID: 2161923). Advanced modeling of protein sequence and biophysical properties (such as structural, functional, and spatial information, amino acid conservation, physicochemical variation, residue mobility, and thermodynamic stability) performed at Invitae indicates that this missense variant is not expected to disrupt SACS protein function with a negative predictive value of 95%. In summary, the available evidence is currently insufficient to determine the role of this variant in disease. Therefore, it has been classified as a Variant of Uncertain Significance.

NM_014363.6(SACS):c.6281T>A (p.Val2094Asp)

Gene: SACS (sacsin molecular chaperone; minus strand). Cytogenetic location: 13q12.12.
Variant type: single nucleotide variant.
Coding change: c.6281T>A on transcript NM_014363.6 (MANE Select); coding-DNA position 6281, T replaced by A.
Protein change: p.Val2094Asp; replaces valine 2094 with aspartic acid.
Molecular consequence: missense variant.
Genome position (GRCh38, 1-based): chr13:23,337,595, A>T on the plus strand (T>A on the coding strand, the complement: SACS is on the minus strand). VCF-style: chr13-23337595-A-T. GRCh37 (hg19) VCF-style: chr13-23911734-A-T.
Other names: c.5840T>A, p.Val1947Asp (NM_001278055.2); short protein forms V2094D, V1947D.
Identifiers: ClinVar variation 2161923 (VCV002161923.3), dbSNP rs1868756826, ClinGen allele CA387523501.